The following is an entry in ClinVar:

ClinVar aggregate classification (germline): Uncertain significance (1 of 4 stars; one submission).

Submission:

Labcorp Genetics (formerly Invitae), Labcorp
Classification: Uncertain significance. Last evaluated: 2024-07-13. Review status: criteria provided, single submitter. Criteria: Invitae Variant Classification Sherloc (09022015). Collection method: clinical testing. Allele origin: germline.
Comment: This sequence change replaces valine, which is neutral and non-polar, with leucine, which is neutral and non-polar, at codon 370 of the CLCN2 protein (p.Val370Leu). This variant is not present in population databases (gnomAD no frequency). This variant has not been reported in the literature in individuals affected with CLCN2-related conditions. Advanced modeling of protein sequence and biophysical properties (such as structural, functional, and spatial information, amino acid conservation, physicochemical variation, residue mobility, and thermodynamic stability) performed at Invitae indicates that this missense variant is not expected to disrupt CLCN2 protein function with a negative predictive value of 80%. In summary, the available evidence is currently insufficient to determine the role of this variant in disease. Therefore, it has been classified as a Variant of Uncertain Significance.

NM_004366.6(CLCN2):c.1108G>T (p.Val370Leu)

Gene: CLCN2 (chloride voltage-gated channel 2; minus strand). Cytogenetic location: 3q27.1.
Variant type: single nucleotide variant.
Coding change: c.1108G>T on transcript NM_004366.6 (MANE Select); coding-DNA position 1108, G replaced by T.
Protein change: p.Val370Leu; replaces valine 370 with leucine.
Molecular consequence: missense variant.
Genome position (GRCh38, 1-based): chr3:184,355,756, C>A on the plus strand (G>T on the coding strand, the complement: CLCN2 is on the minus strand). VCF-style: chr3-184355756-C-A. GRCh37 (hg19) VCF-style: chr3-184073544-C-A.
Other names: c.1108G>T, p.Val370Leu (NM_001171087.3, NM_001171089.3); c.976G>T, p.Val326Leu (NM_001171088.3); short protein forms V326L, V370L.
Identifiers: ClinVar variation 3659471 (VCV003659471.2).